The following is an entry in ClinVar:

NM_004380.3(CREBBP):c.2266A>G (p.Met756Val)

Gene: CREBBP (CREB binding lysine acetyltransferase; minus strand). Cytogenetic location: 16p13.3.
Variant type: single nucleotide variant.
Coding change: c.2266A>G on transcript NM_004380.3 (MANE Select); coding-DNA position 2266, A replaced by G.
Protein change: p.Met756Val; replaces methionine 756 with valine.
Molecular consequence: missense variant.
Genome position (GRCh38, 1-based): chr16:3,774,586, T>C on the plus strand (A>G on the coding strand, the complement: CREBBP is on the minus strand). VCF-style: chr16-3774586-T-C. GRCh37 (hg19) VCF-style: chr16-3824587-T-C.
Other names: c.2152A>G, p.Met718Val (NM_001079846.1); short protein forms M718V, M756V.
Identifiers: ClinVar variation 2399105 (VCV002399105.5), dbSNP rs758756046, ClinGen allele CA7870203.

ClinVar aggregate classification (germline): Conflicting classifications of pathogenicity. Review status: criteria provided, conflicting classifications (1 of 4 stars). 3 submissions from 3 submitters: Uncertain significance (2); Benign (1). Last evaluated 2026-04-02.

Conditions:
CREBBP-related disorder. Also called: CREBBP-related condition; CREBBP-related disorders.
Inborn genetic diseases. Identifiers: MedGen C0950123, MeSH D030342.
Rubinstein-Taybi syndrome (RSTS). Identifiers: Orphanet 783, MedGen C0035934, MONDO:0019188.

Allele frequency attached by ClinVar (database versions not stated): gnomAD exomes below 0.00001; ExAC 0.00001; TOPMed 0.00002; gnomAD 0.00004.
gnomAD v4.1: 7 of 1,614,074 alleles (0.00043%); highest among the groups gnomAD compares: African/African-American, 0.0093%; no homozygotes.

Submissions (3):

PreventionGenetics, part of Exact Sciences
Classification: Uncertain significance for CREBBP-related condition. Last evaluated: 2026-04-02. Review status: criteria provided, single submitter. Criteria: ACMG Guidelines, 2015. Collection method: clinical testing. Allele origin: germline.
Comment: The CREBBP c.2266A>G variant is predicted to result in the amino acid substitution p.Met756Val. To our knowledge, this variant has not been reported in the literature. This variant is reported in 0.0080% of alleles in individuals of African descent in gnomAD. At this time, the clinical significance of this variant is uncertain due to the absence of conclusive functional and genetic evidence.

Labcorp Genetics (formerly Invitae), Labcorp
Classification: Benign for Rubinstein-Taybi syndrome. Last evaluated: 2024-10-20. Review status: criteria provided, single submitter. Criteria: Invitae Variant Classification Sherloc (09022015). Collection method: clinical testing. Allele origin: germline.

Ambry Genetics
Classification: Uncertain significance for Inborn genetic diseases. Last evaluated: 2021-11-05. Review status: criteria provided, single submitter. Criteria: Ambry Variant Classification Scheme 2023. Collection method: clinical testing. Allele origin: germline.